The following is an entry in ClinVar:

NM_017950.4(CCDC40):c.798del (p.Ser267fs)

Gene: CCDC40 (coiled-coil domain 40 molecular ruler complex subunit; plus strand). Cytogenetic location: 17q25.3.
Variant type: Deletion.
Coding change: c.798del on transcript NM_017950.4 (MANE Select); coding-DNA position 798, one base deleted (G; older notation c.798delG).
Protein change: p.Ser267fs; shifts the reading frame from serine 267.
Molecular consequence: frameshift variant.
Genome position (GRCh38, 1-based): chr17:80,048,704, G deleted; the last of 4 consecutive G bases (chr17:80,048,701-80,048,704); deleting any one gives the same sequence. VCF-style (leftmost placement, unchanged base first): chr17-80048700-AG-A. GRCh37 (hg19) VCF-style: chr17-78022499-AG-A.
Other names: c.798del, p.Ser267fs (NM_001243342.2, NM_001330508.2); short protein forms S267fs.
Identifiers: ClinVar variation 1704380 (VCV001704380.1), dbSNP rs2510289393, ClinGen allele CA2580095258.
Genomic context (GRCh38, chr17:80,048,700, plus strand): 5'-AGGACCAGATCCAGCAGCCCAGCACCGAGGAGGGGGCCATGGCAGAGAGAGTGGAGTCCG[AG>A]GGGAGTGACGAGGAAGCAGAAGACGAAGGGTCCCAGCTGGTGGTTTTGGACCCAGACCAC-3'

ClinVar aggregate classification (germline): Pathogenic (1 of 4 stars; one submission).

Conditions:
Primary ciliary dyskinesia 15. Also called: CILIARY DYSKINESIA, PRIMARY, 15, WITH OR WITHOUT SITUS INVERSUS. Identifiers: Orphanet 244, MedGen C3151137, MONDO:0013435, OMIM 613808.

Submission:

Johns Hopkins Genomics, Johns Hopkins University
Classification: Pathogenic for Primary ciliary dyskinesia 15. Last evaluated: 2022-02-17. Review status: criteria provided, single submitter. Criteria: ACMG Guidelines, 2015. Collection method: clinical testing. Allele origin: germline.
Comment: CCDC40 c.798del is absent from a large population dataset and has not been reported in ClinVar nor the literature, to our knowledge. This frameshift variant results in a premature stop codon in exon 6 of 20 likely leading to nonsense mediated decay and lack of protein production. We consider CCDC40 c.798del to be pathogenic.